The following is an entry in ClinVar:

NM_002855.5(NECTIN1):c.79+9G>A

Gene: NECTIN1 (nectin cell adhesion molecule 1; minus strand). Cytogenetic location: 11q23.3.
Variant type: single nucleotide variant.
Coding change: c.79+9G>A on transcript NM_002855.5 (MANE Select); 9 bases into the intron after coding-DNA position 79, G replaced by A.
Molecular consequence: intron variant.
Genome position (GRCh38, 1-based): chr11:119,728,466, C>T on the plus strand (G>A on the coding strand, the complement: NECTIN1 is on the minus strand). VCF-style: chr11-119728466-C-T. GRCh37 (hg19) VCF-style: chr11-119599176-C-T.
Other names: c.79+9G>A (NM_203285.2, NM_203286.2).
Identifiers: ClinVar variation 3031107 (VCV003031107.2), dbSNP rs1177270293, ClinGen allele CA602382828.

ClinVar aggregate classification (germline): Likely benign (0 of 4 stars; one submission).

Conditions:
NECTIN1-related disorder. Also called: NECTIN1-related condition.

Allele frequency attached by ClinVar (database versions not stated): gnomAD 0.00001; TOPMed 0.00001.

Submission:

PreventionGenetics, part of Exact Sciences
Classification: Likely benign for NECTIN1-related condition. Last evaluated: 2022-01-10. Review status: no assertion criteria provided. Collection method: clinical testing. Allele origin: germline.
Comment: This variant is classified as likely benign based on ACMG/AMP sequence variant interpretation guidelines (Richards et al. 2015 PMID: 25741868, with internal and published modifications).